The following is an entry in ClinVar:

ClinVar aggregate classification (germline): Conflicting classifications of pathogenicity. Review status: criteria provided, conflicting classifications (1 of 4 stars). 4 submissions from 4 submitters: Uncertain significance (2); Likely benign (2). Last evaluated 2026-07-01.

Conditions:
Cardiomyopathy (CMYO). Also called: Cardiomyopathies. Identifiers: Orphanet 167848, MedGen C0878544, MONDO:0004994, HP:0001638. Inheritance: Various modes of inheritance.

Allele frequency attached by ClinVar (database versions not stated): TOPMed 0.00002; gnomAD 0.00003; gnomAD exomes 0.00003; ExAC 0.00004; 1000 Genomes Project 30x 0.00016; 1000 Genomes Project 0.00020.
gnomAD v4.1: 32 of 1,613,628 alleles (0.002%); highest among the groups gnomAD compares: East Asian, 0.02%; no homozygotes.

Submissions (4):

CeGaT Center for Human Genetics Tuebingen
Classification: Likely benign. Last evaluated: 2026-07-01. Review status: criteria provided, single submitter. Criteria: CeGaT Center For Human Genetics Tuebingen Variant Classification Criteria Version 2. Collection method: clinical testing. Allele origin: germline. Affected: yes. Observed: 2 variant alleles.
Comment: TTN: BP4, BS1

Revvity Omics, Revvity
Classification: Uncertain significance. Last evaluated: 2023-09-25. Review status: criteria provided, single submitter. Criteria: ACMG Guidelines, 2015. Collection method: clinical testing. Allele origin: germline.

CHEO Genetics Diagnostic Laboratory, Children's Hospital of Eastern Ontario
Classification: Likely benign for Cardiomyopathy. Last evaluated: 2023-06-26. Review status: criteria provided, single submitter. Criteria: ACMG Guidelines, 2015. Collection method: clinical testing. Allele origin: germline.

Women's Health and Genetics/Laboratory Corporation of America, LabCorp
Classification: Uncertain significance. Last evaluated: 2021-04-15. Review status: criteria provided, single submitter. Criteria: LabCorp Variant Classification Summary - May 2015. Collection method: clinical testing. Allele origin: germline.
Comment: Variant summary: TTN c.22097A>G (p.His7366Arg) results in a non-conservative amino acid change located in the I-band region of the encoded protein sequence. Four of five in-silico tools predict a benign effect of the variant on protein function. The variant allele was found at a frequency of 3.6e-05 in 280104 control chromosomes, predominantly at a frequency of 0.00036 within the East Asian subpopulation in the gnomAD database. The available data on variant occurrences in the general population are insufficient to allow any conclusion about variant significance. To our knowledge, no occurrence of c.22097A>G in individuals affected with Dilated Cardiomyopathy and no experimental evidence demonstrating its impact on protein function have been reported. No clinical diagnostic laboratories have submitted clinical-significance assessments for this variant to ClinVar after 2014. Based on the evidence outlined above, the variant was classified as uncertain significance.

Literature cited by the submitters: PubMed 28487569 (cited by Women's Health and Genetics/Laboratory Corporation of America, LabCorp).

NM_001267550.2(TTN):c.25829A>G (p.His8610Arg)

Gene: TTN (titin; minus strand). Cytogenetic location: 2q31.2.
Variant type: single nucleotide variant.
Coding change: c.25829A>G on transcript NM_001267550.2 (MANE Select); coding-DNA position 25829, A replaced by G.
Protein change: p.His8610Arg; replaces histidine 8610 with arginine.
Molecular consequence: missense variant. On other transcripts: intron variant (3).
Genome position (GRCh38, 1-based): chr2:178,715,585, T>C on the plus strand (A>G on the coding strand, the complement: TTN is on the minus strand). VCF-style: chr2-178715585-T-C. GRCh37 (hg19) VCF-style: chr2-179580312-T-C.
Other names: c.24878A>G, p.His8293Arg (NM_001256850.1); c.22097A>G, p.His7366Arg (NM_133378.4); c.13282+22497A>G (NM_003319.4); c.13858+22497A>G (NM_133437.4); c.13657+22497A>G (NM_133432.3); short protein forms H7366R, H8293R, H8610R.
Identifiers: ClinVar variation 1065171 (VCV001065171.28), dbSNP rs561059250, ClinGen allele CA2000136.